The following is an entry in ClinVar:

NC_012920.1(MT-ATP8):m.8551T>C

Genes: MT-ATP6 (mitochondrially encoded ATP synthase 6; plus strand), MT-ATP8 (mitochondrially encoded ATP synthase 8; plus strand).
Variant type: single nucleotide variant.
Genome position: chrM-8551-T-C.
Identifiers: ClinVar variation 692897 (VCV000692897.1), dbSNP rs1556423486, ClinGen allele CA414796643.

ClinVar aggregate classification (germline): Likely benign (1 of 4 stars; one submission).

Conditions:
Leigh syndrome (NULS). Also called: Leigh's necrotizing encephalopathy; Leigh's disease; Leigh Syndrome (mtDNA deletion); Leigh Disease; Subacute necrotizing encephalopathy; Necrotizing encephalopathy infantile subacute of Leigh. Identifiers: Orphanet 506, MedGen C2931891, MONDO:0009723, OMIM 256000.

Submission:

Wong Mito Lab, Molecular and Human Genetics, Baylor College of Medicine
Classification: Likely benign for Leigh syndrome. Last evaluated: 2019-10-17. Review status: criteria provided, single submitter. Criteria: Modified ACMG Guidelines (Unpublished). Collection method: clinical testing. Allele origin: germline.
Comment: The NC_012920.1:m.8551T>C (YP_003024031.1:p.Phe9Leu) variant in MTATP6 gene is interpretated to be a Likely Benign variant based on the modified ACMG guidelines (unpublished). This variant meets the following evidence codes: BS4, BP4, BP5